The following is an entry in ClinVar:

NM_000393.5(COL5A2):c.3864G>A (p.Ser1288=)

Gene: COL5A2 (collagen type V alpha 2 chain; minus strand). Cytogenetic location: 2q32.2.
Variant type: single nucleotide variant.
Coding change: c.3864G>A on transcript NM_000393.5 (MANE Select); coding-DNA position 3864, G replaced by A.
Protein change: p.Ser1288=; no amino-acid change (serine 1288 retained).
Molecular consequence: synonymous variant.
Genome position (GRCh38, 1-based): chr2:189,039,333, C>T on the plus strand (G>A on the coding strand, the complement: COL5A2 is on the minus strand). VCF-style: chr2-189039333-C-T. GRCh37 (hg19) VCF-style: chr2-189904059-C-T.
Other names: p.Ser1288=.
Identifiers: ClinVar variation 256001 (VCV000256001.16), dbSNP rs754605516, ClinGen allele CA2021906.

ClinVar aggregate classification (germline): Likely benign. Review status: criteria provided, multiple submitters, no conflicts (2 of 4 stars). 5 submissions from 5 submitters: Likely benign (5). Last evaluated 2024-11-26.

Conditions:
Ehlers-Danlos syndrome, classic type, 1 (EDSCL1). Also called: Ehlers-Danlos Syndrome, Classic Type, COL5A1-Related; EHLERS-DANLOS SYNDROME, GRAVIS TYPE; EHLERS-DANLOS SYNDROME, SEVERE CLASSIC TYPE; Ehlers-Danlos syndrome, type 1; EDS I. Identifiers: MedGen C0268335, MONDO:0019567, OMIM 130000.
Familial thoracic aortic aneurysm and aortic dissection (TAAD). Also called: Thoracic aortic aneurysms and dissections. Identifiers: Orphanet 91387, MedGen C4707243, MONDO:0019625.

Allele frequency attached by ClinVar (database versions not stated): ExAC 0.00001; gnomAD exomes 0.00001; TOPMed 0.00001; gnomAD 0.00003 and 0.00004.
gnomAD v4.1: 21 of 1,613,948 alleles (0.0013%); highest among the groups gnomAD compares: Admixed American, 0.01%; no homozygotes.

Submissions (5):

Labcorp Genetics (formerly Invitae), Labcorp
Classification: Likely benign for Ehlers-Danlos syndrome, classic type, 1. Last evaluated: 2024-11-26. Review status: criteria provided, single submitter. Criteria: Invitae Variant Classification Sherloc (09022015). Collection method: clinical testing. Allele origin: germline.

Mayo Clinic Laboratories, Mayo Clinic
Classification: Likely benign. Last evaluated: 2024-11-11. Review status: criteria provided, single submitter. Criteria: ACMG Guidelines, 2015. Collection method: clinical testing. Allele origin: germline. Observed: 1 variant allele.
Comment: BP4, BP7

Ambry Genetics
Classification: Likely benign for Familial thoracic aortic aneurysm and aortic dissection. Last evaluated: 2023-03-03. Review status: criteria provided, single submitter. Criteria: Ambry Variant Classification Scheme 2023. Collection method: clinical testing. Allele origin: germline.

Blueprint Genetics
Classification: Likely benign. Last evaluated: 2022-12-16. Review status: criteria provided, single submitter. Criteria: ACMG Guidelines, 2015. Collection method: clinical testing. Allele origin: germline.

PreventionGenetics, part of Exact Sciences
Classification: Likely benign. Review status: criteria provided, single submitter. Criteria: ACMG Guidelines, 2015. Collection method: clinical testing. Allele origin: germline.